The following is an entry in ClinVar:

NM_078629.4(MSL3):c.1355G>T (p.Gly452Val)

Gene: MSL3 (MSL complex subunit 3; plus strand). Cytogenetic location: Xp22.2.
Variant type: single nucleotide variant.
Coding change: c.1355G>T on transcript NM_078629.4 (MANE Select); coding-DNA position 1355, G replaced by T.
Protein change: p.Gly452Val; replaces glycine 452 with valine.
Molecular consequence: missense variant.
Genome position (GRCh38, 1-based): chrX:11,772,229, G>T. VCF-style: chrX-11772229-G-T. GRCh37 (hg19) VCF-style: chrX-11790348-G-T.
Other names: c.1319G>T, p.Gly440Val (NM_001193270.2); c.908G>T, p.Gly303Val (NM_001282174.1); c.857G>T, p.Gly286Val (NM_006800.4); short protein forms G286V, G303V, G440V, G452V.
Identifiers: ClinVar variation 3342154 (VCV003342154.16).

ClinVar aggregate classification (germline): Uncertain significance. Review status: criteria provided, multiple submitters, no conflicts (2 of 4 stars). 2 submissions from 2 submitters: Uncertain significance (2). Last evaluated 2026-03-13.

Conditions:
Basilicata-Akhtar syndrome. Also called: MENTAL RETARDATION, X-LINKED, SYNDROMIC, BASILICATA-AKHTAR TYPE; INTELLECTUAL DEVELOPMENTAL DISORDER, X-LINKED, SYNDROMIC, 36. Identifiers: MedGen C5231394, MONDO:0026730, OMIM 301032.

Submissions (2):

MVZ Martinsried, Medicover Genetics
Classification: Uncertain significance for Basilicata-Akhtar syndrome. Last evaluated: 2026-03-13. Review status: criteria provided, single submitter. Criteria: ClinGen Variant Curation SOP V3.2 + Classification Guidance July2025. Collection method: clinical testing. Allele origin: de novo. Affected: yes. Observed: 1 heterozygote.

CeGaT Center for Human Genetics Tuebingen
Classification: Uncertain significance. Last evaluated: 2024-10-01. Review status: criteria provided, single submitter. Criteria: CeGaT Center For Human Genetics Tuebingen Variant Classification Criteria Version 2. Collection method: clinical testing. Allele origin: germline. Affected: yes. Observed: 1 variant allele.
Comment: MSL3: PM2, PS2:Moderate